The following is an entry in ClinVar:

ClinVar aggregate classification (germline): Likely benign (0 of 4 stars; one submission).

Conditions:
PRKD1-related disorder. Also called: PRKD1-related condition.

gnomAD v4.1: 2 of 1,612,550 alleles (0.00012%); highest among the groups gnomAD compares: Non-Finnish European, 0.000085%; no homozygotes.

Submission:

PreventionGenetics, part of Exact Sciences
Classification: Likely benign for PRKD1-related condition. Last evaluated: 2024-07-19. Review status: no assertion criteria provided. Collection method: clinical testing. Allele origin: germline.
Comment: This variant is classified as likely benign based on ACMG/AMP sequence variant interpretation guidelines (Richards et al. 2015 PMID: 25741868, with internal and published modifications).

NM_002742.3(PRKD1):c.1938G>A (p.Glu646=)

Gene: PRKD1 (protein kinase D1; minus strand). Cytogenetic location: 14q12.
Variant type: single nucleotide variant.
Coding change: c.1938G>A on transcript NM_002742.3 (MANE Select); coding-DNA position 1938, G replaced by A.
Protein change: p.Glu646=; no amino-acid change (glutamic acid 646 retained).
Molecular consequence: synonymous variant.
Genome position (GRCh38, 1-based): chr14:29,599,785, C>T on the plus strand (G>A on the coding strand, the complement: PRKD1 is on the minus strand). VCF-style: chr14-29599785-C-T. GRCh37 (hg19) VCF-style: chr14-30068991-C-T.
Other names: c.1962G>A, p.Glu654= (NM_001330069.2); c.1674G>A, p.Glu558= (NM_001348390.1).
Identifiers: ClinVar variation 3358335 (VCV003358335.1).